The following is an entry in ClinVar:

ClinVar aggregate classification (germline): Uncertain significance (0 of 4 stars; one submission).

Conditions:
TCF3-related disorder. Also called: TCF3-related condition.

Allele frequency attached by ClinVar (database versions not stated): gnomAD 0.00001; gnomAD exomes 0.00001; 1000 Genomes Project 0.00020; 1000 Genomes Project 30x 0.00031.
gnomAD v4.1: 5 of 1,612,154 alleles (0.00031%); highest among the groups gnomAD compares: Admixed American, 0.0067%; no homozygotes.

Submission:

PreventionGenetics, part of Exact Sciences
Classification: Uncertain significance for TCF3-related condition. Last evaluated: 2024-01-10. Review status: no assertion criteria provided. Collection method: clinical testing. Allele origin: germline.
Comment: The TCF3 c.1771A>G variant is predicted to result in the amino acid substitution p.Ile591Val. To our knowledge, this variant has not been reported in the literature. This variant is reported in 0.0058% of alleles in individuals of Latino descent in gnomAD. At this time, the clinical significance of this variant is uncertain due to the absence of conclusive functional and genetic evidence.

NM_003200.5(TCF3):c.1771A>G (p.Ile591Val)

Gene: TCF3 (transcription factor 3; minus strand). Cytogenetic location: 19p13.3.
Variant type: single nucleotide variant.
Coding change: c.1771A>G on transcript NM_003200.5 (MANE Select); coding-DNA position 1771, A replaced by G.
Protein change: p.Ile591Val; replaces isoleucine 591 with valine.
Molecular consequence: missense variant. On other transcripts: intron variant (2).
Genome position (GRCh38, 1-based): chr19:1,615,336, T>C on the plus strand (A>G on the coding strand, the complement: TCF3 is on the minus strand). VCF-style: chr19-1615336-T-C. GRCh37 (hg19) VCF-style: chr19-1615335-T-C.
Other names: c.1768A>G, p.Ile590Val (NM_001351778.2); c.1586+350A>G (NM_001136139.4, NM_001351779.2); short protein forms I590V, I591V.
Identifiers: ClinVar variation 3034235 (VCV003034235.2), dbSNP rs200005697, ClinGen allele CA304100083.